The following is an entry in ClinVar:

NM_001385012.1(NBEA):c.8551T>C (p.Ser2851Pro)

Gene: NBEA (neurobeachin; plus strand). Cytogenetic location: 13q13.3.
Variant type: single nucleotide variant.
Coding change: c.8551T>C on transcript NM_001385012.1 (MANE Select); coding-DNA position 8551, T replaced by C.
Protein change: p.Ser2851Pro; replaces serine 2851 with proline.
Molecular consequence: missense variant.
Genome position (GRCh38, 1-based): chr13:35,667,460, T>C. VCF-style: chr13-35667460-T-C. GRCh37 (hg19) VCF-style: chr13-36241597-T-C.
Other names: c.1867T>C, p.Ser623Pro (NM_001204197.3); c.8542T>C, p.Ser2848Pro (NM_001379245.1); c.8488T>C, p.Ser2830Pro (NM_015678.5); short protein forms S2830P, S2848P, S2851P, S623P.
Identifiers: ClinVar variation 4875449 (VCV004875449.2).

ClinVar aggregate classification (germline): Uncertain significance (1 of 4 stars; one submission).

Submission:

CeGaT Center for Human Genetics Tuebingen
Classification: Uncertain significance. Last evaluated: 2026-06-01. Review status: criteria provided, single submitter. Criteria: CeGaT Center For Human Genetics Tuebingen Variant Classification Criteria Version 2. Collection method: clinical testing. Allele origin: germline. Affected: yes. Observed: 1 variant allele.
Comment: NBEA: PM2